The following is an entry in ClinVar:

ClinVar aggregate classification (germline): Uncertain significance. Review status: criteria provided, multiple submitters, no conflicts (2 of 4 stars). 3 submissions from 3 submitters: Uncertain significance (3). Last evaluated 2022-05-25.

Conditions:
Nephronophthisis 14 (NPHP14). Identifiers: Orphanet 2318, MedGen C3539071, MONDO:0013916, OMIM 614844.

Allele frequency attached by ClinVar (database versions not stated): gnomAD exomes 0.00001 and 0.00002; ExAC 0.00002.
gnomAD v4.1: 33 of 1,595,094 alleles (0.0021%); highest among the groups gnomAD compares: Non-Finnish European, 0.0022%; no homozygotes.

Submissions (3):

Labcorp Genetics (formerly Invitae), Labcorp
Classification: Uncertain significance for Nephronophthisis 14. Last evaluated: 2022-05-25. Review status: criteria provided, single submitter. Criteria: Invitae Variant Classification Sherloc (09022015). Collection method: clinical testing. Allele origin: germline.
Comment: In summary, the available evidence is currently insufficient to determine the role of this variant in disease. Therefore, it has been classified as a Variant of Uncertain Significance. Algorithms developed to predict the effect of missense changes on protein structure and function are either unavailable or do not agree on the potential impact of this missense change (SIFT: "Deleterious"; PolyPhen-2: "Probably Damaging"; Align-GVGD: "Class C0"). ClinVar contains an entry for this variant (Variation ID: 983480). This sequence change replaces alanine, which is neutral and non-polar, with threonine, which is neutral and polar, at codon 1067 of the ZNF423 protein (p.Ala1067Thr). This variant is present in population databases (rs774865680, gnomAD 0.007%). This variant has not been reported in the literature in individuals affected with ZNF423-related conditions.

Blueprint Genetics
Classification: Uncertain significance. Last evaluated: 2021-12-27. Review status: criteria provided, single submitter. Criteria: ACMG Guidelines, 2015. Collection method: clinical testing. Allele origin: germline.

Institute of Human Genetics, University of Goettingen
Classification: Uncertain significance for Nephronophthisis 14. Last evaluated: 2020-10-27. Review status: criteria provided, single submitter. Criteria: ACMG Guidelines, 2015. Collection method: clinical testing. Allele origin: germline. Inheritance: Autosomal dominant inheritance. Affected: no. Observed: 1 heterozygote.

NM_001379286.1(ZNF423):c.3223G>A (p.Ala1075Thr)

Gene: ZNF423 (zinc finger protein 423; minus strand). Cytogenetic location: 16q12.1.
Variant type: single nucleotide variant.
Coding change: c.3223G>A on transcript NM_001379286.1 (MANE Select); coding-DNA position 3223, G replaced by A.
Protein change: p.Ala1075Thr; replaces alanine 1075 with threonine.
Molecular consequence: missense variant.
Genome position (GRCh38, 1-based): chr16:49,635,953, C>T on the plus strand (G>A on the coding strand, the complement: ZNF423 is on the minus strand). VCF-style: chr16-49635953-C-T. GRCh37 (hg19) VCF-style: chr16-49669864-C-T.
Other names: c.3019G>A, p.Ala1007Thr (NM_001271620.2); c.2848G>A, p.Ala950Thr (NM_001330533.2); c.3199G>A, p.Ala1067Thr (NM_015069.5); short protein forms A1007T, A1067T, A1075T, A950T.
Identifiers: ClinVar variation 983480 (VCV000983480.6), dbSNP rs774865680, ClinGen allele CA8046363.
Genomic context (GRCh38, chr16:49,635,953, plus strand): 5'-GCCCATTGACGTCAAGCTTCACCAGGTCCTGCTTGCTGCGGAACTCCTTGAGGCACAGGG[C>T]GCACTTGTAGAGCTTCTGCAGCCCCTGGCCATTGGGGGAGGACGCCGCTGAGCTGCCCGC-3'
Protein context (NP_001366215.1, residues 1065-1085): GQGLQKLYKC[Ala1075Thr]LCLKEFRSKQ